The following is an entry in ClinVar:

NM_182914.3(SYNE2):c.13898A>G (p.Asp4633Gly)

Gene: SYNE2 (spectrin repeat containing nuclear envelope protein 2; plus strand). Cytogenetic location: 14q23.2.
Variant type: single nucleotide variant.
Coding change: c.13898A>G on transcript NM_182914.3 (MANE Select); coding-DNA position 13898, A replaced by G.
Protein change: p.Asp4633Gly; replaces aspartic acid 4633 with glycine.
Molecular consequence: missense variant.
Genome position (GRCh38, 1-based): chr14:64,126,788, A>G. VCF-style: chr14-64126788-A-G. GRCh37 (hg19) VCF-style: chr14-64593506-A-G.
Other names: c.13898A>G, p.Asp4633Gly (NM_015180.6); short protein forms D4633G.
Identifiers: ClinVar variation 3634897 (VCV003634897.2).

ClinVar aggregate classification (germline): Uncertain significance (1 of 4 stars; one submission).

Conditions:
Emery-Dreifuss muscular dystrophy 5, autosomal dominant (EDMD5). Also called: EMERY-DREIFUSS MUSCULAR DYSTROPHY 5. Identifiers: Orphanet 261, MedGen C2751805, MONDO:0013072, OMIM 612999.

gnomAD v4.1: 43 of 1,612,548 alleles (0.0027%); highest among the groups gnomAD compares: Non-Finnish European, 0.0023%; no homozygotes.

Submission:

Labcorp Genetics (formerly Invitae), Labcorp
Classification: Uncertain significance for Emery-Dreifuss muscular dystrophy 5, autosomal dominant. Last evaluated: 2025-09-16. Review status: criteria provided, single submitter. Criteria: Invitae Variant Classification Sherloc (09022015). Collection method: clinical testing. Allele origin: germline.
Comment: This sequence change replaces aspartic acid, which is acidic and polar, with glycine, which is neutral and non-polar, at codon 4633 of the SYNE2 protein (p.Asp4633Gly). This variant is present in population databases (rs199649118, gnomAD 0.02%). This variant has not been reported in the literature in individuals affected with SYNE2-related conditions. ClinVar contains an entry for this variant (Variation ID: 3634897). An algorithm developed to predict the effect of missense changes on protein structure and function (PolyPhen-2) suggests that this variant is likely to be disruptive. In summary, the available evidence is currently insufficient to determine the role of this variant in disease. Therefore, it has been classified as a Variant of Uncertain Significance.